The following is an entry in ClinVar:

NM_005475.3(SH2B3):c.1154C>A (p.Ala385Asp)

Gene: SH2B3 (SH2B adaptor protein 3; plus strand). Cytogenetic location: 12q24.12.
Variant type: single nucleotide variant.
Coding change: c.1154C>A on transcript NM_005475.3 (MANE Select); coding-DNA position 1154, C replaced by A.
Protein change: p.Ala385Asp; replaces alanine 385 with aspartic acid.
Molecular consequence: missense variant.
Genome position (GRCh38, 1-based): chr12:111,447,462, C>A. VCF-style: chr12-111447462-C-A. GRCh37 (hg19) VCF-style: chr12-111885266-C-A.
Other names: c.548C>A, p.Ala183Asp (NM_001291424.1); short protein forms A385D, A183D.
Identifiers: ClinVar variation 3161123 (VCV003161123.2), dbSNP rs2500217928, ClinGen allele CA386711319.

ClinVar aggregate classification (germline): Uncertain significance (1 of 4 stars; one submission).

Conditions:
Inborn genetic diseases. Identifiers: MedGen C0950123, MeSH D030342.

gnomAD v4.1: 10 of 1,611,746 alleles (0.00062%); highest among the groups gnomAD compares: Non-Finnish European, 0.00076%; no homozygotes.

Submission:

Ambry Genetics
Classification: Uncertain significance for Inborn genetic diseases. Last evaluated: 2025-07-24. Review status: criteria provided, single submitter. Criteria: Ambry Variant Classification Scheme 2023. Collection method: clinical testing. Allele origin: germline.
Comment: The p.A385D variant (also known as c.1154C>A), located in coding exon 5 of the SH2B3 gene, results from a C to A substitution at nucleotide position 1154. The alanine at codon 385 is replaced by aspartic acid, an amino acid with dissimilar properties. This amino acid position is conserved. In addition, the in silico prediction for this alteration is inconclusive. Based on the available evidence, the clinical significance of this variant remains unclear.